The following is an entry in ClinVar:

ClinVar aggregate classification (germline): Uncertain significance. Review status: criteria provided, multiple submitters, no conflicts (2 of 4 stars). 2 submissions from 2 submitters: Uncertain significance (2). Last evaluated 2025-06-07.

Allele frequency attached by ClinVar (database versions not stated): gnomAD 0.00011; TOPMed 0.00007; ESP Exome Variant Server 0.00008.
gnomAD v4.1: 150 of 1,613,660 alleles (0.0093%); highest among the groups gnomAD compares: Non-Finnish European, 0.0092%; no homozygotes.

Submissions (2):

Ambry Genetics
Classification: Uncertain significance. Last evaluated: 2025-06-07. Review status: criteria provided, single submitter. Criteria: Ambry Variant Classification Scheme 2023. Collection method: clinical testing. Allele origin: germline.

Labcorp Genetics (formerly Invitae), Labcorp
Classification: Uncertain significance. Last evaluated: 2022-04-21. Review status: criteria provided, single submitter. Criteria: Invitae Variant Classification Sherloc (09022015). Collection method: clinical testing. Allele origin: germline.
Comment: This sequence change replaces tyrosine, which is neutral and polar, with phenylalanine, which is neutral and non-polar, at codon 173 of the C8A protein (p.Tyr173Phe). This variant is present in population databases (rs142909304, gnomAD 0.04%). This variant has not been reported in the literature in individuals affected with C8A-related conditions. Algorithms developed to predict the effect of missense changes on protein structure and function output the following: SIFT: "Tolerated"; PolyPhen-2: "Benign"; Align-GVGD: "Class C0". The phenylalanine amino acid residue is found in multiple mammalian species, which suggests that this missense change does not adversely affect protein function. In summary, the available evidence is currently insufficient to determine the role of this variant in disease. Therefore, it has been classified as a Variant of Uncertain Significance.

NM_000562.3(C8A):c.518A>T (p.Tyr173Phe)

Gene: C8A (complement C8 alpha chain; plus strand). Cytogenetic location: 1p32.2.
Variant type: single nucleotide variant.
Coding change: c.518A>T on transcript NM_000562.3 (MANE Select); coding-DNA position 518, A replaced by T.
Protein change: p.Tyr173Phe; replaces tyrosine 173 with phenylalanine.
Molecular consequence: missense variant.
Genome position (GRCh38, 1-based): chr1:56,881,498, A>T. VCF-style: chr1-56881498-A-T. GRCh37 (hg19) VCF-style: chr1-57347171-A-T.
Other names: c.518A>T (NM_000562.2); short protein forms Y173F.
Identifiers: ClinVar variation 1449659 (VCV001449659.5), dbSNP rs142909304, ClinGen allele CA875066.